The following is an entry in ClinVar:

NM_000441.2(SLC26A4):c.1790T>C (p.Leu597Ser)

Gene: SLC26A4 (solute carrier family 26 member 4; plus strand). Cytogenetic location: 7q22.3.
Variant type: single nucleotide variant.
Coding change: c.1790T>C on transcript NM_000441.2 (MANE Select); coding-DNA position 1790, T replaced by C.
Protein change: p.Leu597Ser; replaces leucine 597 with serine.
Molecular consequence: missense variant.
Genome position (GRCh38, 1-based): chr7:107,701,183, T>C. VCF-style: chr7-107701183-T-C. GRCh37 (hg19) VCF-style: chr7-107341628-T-C.
Other names: short protein forms L597S.
Identifiers: ClinVar variation 43525 (VCV000043525.73), dbSNP rs55638457, ClinGen allele CA132681.
Genomic context (GRCh38, chr7:107,701,183, plus strand): 5'-TATATAATAAGAGGCTGAAAGCGCTGAGGAAAATACAGAAACTAATAAAAAGTGGACAAT[T>C]AAGAGCAACAAAGGTGAGATGACATCTTTCTTTTCCCCCTTAAATTATTTCCTTTCCCTG-3'
Protein context (NP_000432.1, residues 587-607): KIQKLIKSGQ[Leu597Ser]RATKNGIISD

ClinVar aggregate classification (germline): Conflicting classifications of pathogenicity. Review status: criteria provided, conflicting classifications (1 of 4 stars). 20 submissions from 19 submitters: Uncertain significance (1); Benign (7); Likely benign (8). 4 of the submissions do not count toward it. Last evaluated 2026-09-01.

Conditions:
Autosomal recessive nonsyndromic hearing loss 4 (DFNB4). Also called: Deafness, autosomal recessive 4, with enlarged vestibular aqueduct; Deafness, autosomal recessive 4; Enlarged vestibular aqueduct, digenic; FOXI1-Related Pendred Syndrome; KCNJ10-Related Pendred Syndrome; Nonsyndromic enlarged vestibular aqueduct (NSEVA). Identifiers: Orphanet 90636, MedGen C3538946, MONDO:0010933, OMIM 600791.
Pendred syndrome (PDS). Also called: Pendred's syndrome; Pendred Syndrome (PDS); THYROID DYSHORMONOGENESIS 2B; THYROID HORMONOGENESIS, GENETIC DEFECT IN, 2B; DEAFNESS WITH GOITER; GOITER-DEAFNESS SYNDROME. Identifiers: Orphanet 705, MedGen C0271829, MONDO:0010134, OMIM 274600.

Allele frequency attached by ClinVar (database versions not stated): TOPMed 0.00601; ExAC 0.00826; gnomAD exomes 0.00833 and 0.00861; 1000 Genomes Project 30x 0.00874; gnomAD 0.00545 and 0.00622; 1000 Genomes Project 0.00859; ESP Exome Variant Server 0.00630.
gnomAD v4.1: 13,386 of 1,598,500 alleles (0.84%); highest among the groups gnomAD compares: South Asian, 2.9%; 125 homozygotes.

Submissions (20):

CeGaT Center for Human Genetics Tuebingen
Classification: Benign. Last evaluated: 2026-09-01. Review status: criteria provided, single submitter. Criteria: CeGaT Center For Human Genetics Tuebingen Variant Classification Criteria Version 2. Collection method: clinical testing. Allele origin: germline. Affected: yes. Observed: 20 variant alleles.
Comment: SLC26A4: BS1, BS2

Labcorp Genetics (formerly Invitae), Labcorp
Classification: Benign. Last evaluated: 2026-02-04. Review status: criteria provided, single submitter. Criteria: Invitae Variant Classification Sherloc (09022015). Collection method: clinical testing. Allele origin: germline.

Dasa
Classification: Benign. Last evaluated: 2025-12-14. Review status: criteria provided, single submitter. Criteria: DASA Assertion Criteria. Collection method: clinical testing. Allele origin: germline.
Comment: NM_000441.2(SLC26A4):c.1790T>C (p.Leu597Ser) is a missense variant that results in the substitution of leucine with serine. Population frequency is inconsistent with a disease-causing role for this variant, and observations in unaffected individuals support a benign interpretation. Therefore, based on the currently available evidence, this variant is classified as benign.

Blueprint Genetics
Classification: Likely benign. Last evaluated: 2024-11-25. Review status: criteria provided, single submitter. Criteria: ACMG Guidelines, 2015. Collection method: clinical testing. Allele origin: germline.

ARUP Laboratories, Molecular Genetics and Genomics, ARUP Laboratories
Classification: Benign. Last evaluated: 2023-11-28. Review status: criteria provided, single submitter. Criteria: ARUP Molecular Germline Variant Investigation Process 2024. Collection method: clinical testing. Allele origin: germline.

Women's Health and Genetics/Laboratory Corporation of America, LabCorp
Classification: Likely benign. Last evaluated: 2021-12-10. Review status: criteria provided, single submitter. Criteria: LabCorp Variant Classification Summary - May 2015. Collection method: clinical testing. Allele origin: germline.

Genome-Nilou Lab
Classification: Likely benign for Autosomal recessive nonsyndromic hearing loss 4. Last evaluated: 2021-09-05. Review status: criteria provided, single submitter. Criteria: ACMG Guidelines, 2015. Collection method: clinical testing. Allele origin: germline. Affected: no.

Genome-Nilou Lab
Classification: Likely benign for Pendred syndrome. Last evaluated: 2021-09-05. Review status: criteria provided, single submitter. Criteria: ACMG Guidelines, 2015. Collection method: clinical testing. Allele origin: germline. Affected: no.

Pars Genome Lab
Classification: Likely benign for Pendred syndrome. Last evaluated: 2021-05-18. Review status: criteria provided, single submitter. Criteria: ACMG Guidelines, 2015. Collection method: clinical testing. Allele origin: germline. Affected: no.

Fulgent Genetics
Classification: Likely benign for Pendred syndrome; Autosomal recessive nonsyndromic hearing loss 4. Last evaluated: 2018-10-31. Review status: criteria provided, single submitter. Criteria: ACMG Guidelines, 2015. Collection method: clinical testing. Allele origin: unknown.

Illumina Laboratory Services, Illumina
Classification: Likely benign for Pendred syndrome. Last evaluated: 2017-04-27. Review status: criteria provided, single submitter. Criteria: ICSL Variant Classification Criteria 13 December 2019. Collection method: clinical testing. Allele origin: germline.
Comment: This variant was observed as part of a predisposition screen in an ostensibly healthy population. A literature search was performed for the gene, cDNA change, and amino acid change (where applicable). Publications were found based on this search. The evidence from the literature, in combination with allele frequency data from public databases where available, was sufficient to determine this variant is unlikely to cause disease. Therefore, this variant is classified as likely benign.

Center for Pediatric Genomic Medicine, Children's Mercy Hospital and Clinics
Classification: Likely benign. Last evaluated: 2016-09-15. Review status: criteria provided, single submitter. Criteria: ACMG Guidelines, 2015. Collection method: clinical testing. Allele origin: germline.
ClinVar note: Converted during submission from Likely Benign to Likely benign.

GeneDx
Classification: Benign. Last evaluated: 2016-05-04. Review status: criteria provided, single submitter. Criteria: GeneDx Variant Classification (06012015). Collection method: clinical testing. Allele origin: germline. Affected: yes.
Comment: This variant is considered likely benign or benign based on one or more of the following criteria: it is a conservative change, it occurs at a poorly conserved position in the protein, it is predicted to be benign by multiple in silico algorithms, and/or has population frequency not consistent with disease.

Centre for Mendelian Genomics, University Medical Centre Ljubljana
Classification: Uncertain significance for Autosomal recessive nonsyndromic hearing loss 4. Last evaluated: 2016-01-01. Review status: criteria provided, single submitter. Criteria: ACMG Guidelines, 2015. Collection method: clinical testing. Allele origin: unknown. Affected: yes.
Comment: This variant was classified as: Uncertain significance.

Eurofins Ntd Llc (ga)
Classification: Benign. Last evaluated: 2015-10-28. Review status: criteria provided, single submitter. Criteria: EGL Classification Definitions 2015. Collection method: clinical testing. Allele origin: germline. Observed: 1 variant allele, 1 heterozygote.

Laboratory for Molecular Medicine, Mass General Brigham Personalized Medicine
Classification: Benign. Last evaluated: 2014-12-24. Review status: criteria provided, single submitter. Criteria: LMM Criteria. Collection method: clinical testing. Allele origin: germline. Observed: 61 variant alleles.
Comment: p.Leu597Ser in exon 16 of SLC26A4: Although this variant has been reported in pa tients with Pendred syndrome and nonsyndromic hearing loss with enlarged vestibu lar aqueducts (EVA) (Campbell et al 2001, Fugazzola et al 2002, Blons 2004, Pryo r 2005), it has also been found in 2.7% (449/16590) of South Asian chromosomes b y the Exome Aggregation Consortium (ExAC; dbSNP rs55638457). In addition, this variant has been identified by our laboratory in many individuals, none of whom had a pathogenic variant on the second allele. I n summary, this data meets our criteria to classify this variant as benign.

Natera, Inc.
Classification: Benign for Pendred syndrome. Last evaluated: 2020-06-07. Review status: no assertion criteria provided. Collection method: clinical testing. Allele origin: germline. Not counted in ClinVar's aggregate classification.

Clinical Genetics DNA and cytogenetics Diagnostics Lab, Erasmus MC, Erasmus Medical Center
Classification: Benign. Review status: no assertion criteria provided. Collection method: clinical testing. Allele origin: germline. Affected: yes. Study: VKGL Data-share Consensus. Not counted in ClinVar's aggregate classification.

Clinical Genetics, Academic Medical Center
Classification: Benign. Review status: no assertion criteria provided. Collection method: clinical testing. Allele origin: germline. Affected: yes. Study: VKGL Data-share Consensus. Not counted in ClinVar's aggregate classification.

Joint Genome Diagnostic Labs from Nijmegen and Maastricht, Radboudumc and MUMC+
Classification: Likely benign. Review status: no assertion criteria provided. Collection method: clinical testing. Allele origin: germline. Affected: yes. Study: VKGL Data-share Consensus. Not counted in ClinVar's aggregate classification.

Literature cited by the submitters: PubMed 17503324 (cited by Illumina Laboratory Services, Illumina and Laboratory for Molecular Medicine, Mass General Brigham Personalized Medicine); PubMed 11919333 (cited by Illumina Laboratory Services, Illumina and Laboratory for Molecular Medicine, Mass General Brigham Personalized Medicine); PubMed 11317356 (cited by Illumina Laboratory Services, Illumina and Laboratory for Molecular Medicine, Mass General Brigham Personalized Medicine); PubMed 18813951 (cited by Illumina Laboratory Services, Illumina and Laboratory for Molecular Medicine, Mass General Brigham Personalized Medicine); PubMed 19204907 (cited by Illumina Laboratory Services, Illumina and Laboratory for Molecular Medicine, Mass General Brigham Personalized Medicine); PubMed 19509082 (cited by Laboratory for Molecular Medicine, Mass General Brigham Personalized Medicine); PubMed 16570074 (cited by Laboratory for Molecular Medicine, Mass General Brigham Personalized Medicine); PubMed 15355436 (cited by Laboratory for Molecular Medicine, Mass General Brigham Personalized Medicine); PubMed 19578036 (cited by Laboratory for Molecular Medicine, Mass General Brigham Personalized Medicine); PubMed 19040761 (cited by Laboratory for Molecular Medicine, Mass General Brigham Personalized Medicine); PubMed 16950989 (cited by Laboratory for Molecular Medicine, Mass General Brigham Personalized Medicine); PubMed 17309986 (cited by Laboratory for Molecular Medicine, Mass General Brigham Personalized Medicine); PubMed 19620588 (cited by Laboratory for Molecular Medicine, Mass General Brigham Personalized Medicine); PubMed 19017801 (cited by Laboratory for Molecular Medicine, Mass General Brigham Personalized Medicine); PubMed 18988928 (cited by Laboratory for Molecular Medicine, Mass General Brigham Personalized Medicine); PubMed 19744334 (cited by Laboratory for Molecular Medicine, Mass General Brigham Personalized Medicine); PubMed 15689455 (cited by Laboratory for Molecular Medicine, Mass General Brigham Personalized Medicine).